The following is an entry in ClinVar:

NM_201631.4(TGM5):c.1055C>G (p.Ala352Gly)

Gene: TGM5 (transglutaminase 5; minus strand). Cytogenetic location: 15q15.2.
Variant type: single nucleotide variant.
Coding change: c.1055C>G on transcript NM_201631.4 (MANE Select); coding-DNA position 1055, C replaced by G.
Protein change: p.Ala352Gly; replaces alanine 352 with glycine.
Molecular consequence: missense variant.
Genome position (GRCh38, 1-based): chr15:43,239,213, G>C on the plus strand (C>G on the coding strand, the complement: TGM5 is on the minus strand). VCF-style: chr15-43239213-G-C. GRCh37 (hg19) VCF-style: chr15-43531411-G-C.
Other names: c.809C>G, p.Ala270Gly (NM_004245.4); short protein forms A352G, A270G.
Identifiers: ClinVar variation 316050 (VCV000316050.8), dbSNP rs28756768, ClinGen allele CA7521102.

ClinVar aggregate classification (germline): Benign. Review status: criteria provided, multiple submitters, no conflicts (2 of 4 stars). 4 submissions from 4 submitters: Benign (4). Last evaluated 2024-11-27.

Conditions:
Acral peeling skin syndrome. Also called: Peeling skin syndrome 2. Identifiers: Orphanet 263534, MedGen C1853354, MONDO:0012345, OMIM 609796.

Allele frequency attached by ClinVar (database versions not stated): gnomAD 0.20951 and 0.20421; ESP Exome Variant Server 0.21343; TOPMed 0.22115; 1000 Genomes Project 0.24281; 1000 Genomes Project 30x 0.24485; gnomAD exomes 0.11552 and 0.14336; ExAC 0.14798.
gnomAD v4.1: 200,609 of 1,613,970 alleles (12%); highest among the groups gnomAD compares: African/African-American, 46%; 17,875 homozygotes.

Submissions (4):

Blueprint Genetics
Classification: Benign. Last evaluated: 2024-11-27. Review status: criteria provided, single submitter. Criteria: ACMG Guidelines, 2015. Collection method: clinical testing. Allele origin: germline.

GeneDx
Classification: Benign. Last evaluated: 2021-11-26. Review status: criteria provided, single submitter. Criteria: GeneDx Variant Classification Process June 2021. Collection method: clinical testing. Allele origin: germline. Affected: yes.

Illumina Laboratory Services, Illumina
Classification: Benign for Acral peeling skin syndrome. Last evaluated: 2018-01-13. Review status: criteria provided, single submitter. Criteria: ICSL Variant Classification Criteria 13 December 2019. Collection method: clinical testing. Allele origin: germline.
Comment: This variant was observed in the ICSL laboratory as part of a predisposition screen in an ostensibly healthy population. It had not been previously curated by ICSL or reported in the Human Gene Mutation Database (HGMD: prior to June 1st, 2018), and was therefore a candidate for classification through an automated scoring system. Utilizing variant allele frequency, disease prevalence and penetrance estimates, and inheritance mode, an automated score was calculated to assess if this variant is too frequent to cause the disease. Based on the score and internal cut-off values, a variant classified as benign is not then subjected to further curation. The score for this variant resulted in a classification of benign for this disease.

Breakthrough Genomics
Classification: Benign. Review status: criteria provided, single submitter. Criteria: ACMG Guidelines, 2015. Collection method: not provided. Allele origin: germline. Inheritance: Autosomal recessive inheritance. Affected: yes.